The following is an entry in ClinVar:

NM_018557.3(LRP1B):c.13676A>G (p.Asn4559Ser)

Gene: LRP1B (LDL receptor related protein 1B; minus strand). Cytogenetic location: 2q22.1.
Variant type: single nucleotide variant.
Coding change: c.13676A>G on transcript NM_018557.3 (MANE Select); coding-DNA position 13676, A replaced by G.
Protein change: p.Asn4559Ser; replaces asparagine 4559 with serine.
Molecular consequence: missense variant.
Genome position (GRCh38, 1-based): chr2:140,233,310, T>C on the plus strand (A>G on the coding strand, the complement: LRP1B is on the minus strand). VCF-style: chr2-140233310-T-C. GRCh37 (hg19) VCF-style: chr2-140990879-T-C.
Other names: short protein forms N4559S.
Identifiers: ClinVar variation 3770607 (VCV003770607.13).

ClinVar aggregate classification (germline): Benign (1 of 4 stars; one submission).

gnomAD v4.1: 3,151 of 1,589,746 alleles (0.2%); highest among the groups gnomAD compares: Non-Finnish European, 0.24%; 2 homozygotes.

Submission:

CeGaT Center for Human Genetics Tuebingen
Classification: Benign. Last evaluated: 2025-02-01. Review status: criteria provided, single submitter. Criteria: CeGaT Center For Human Genetics Tuebingen Variant Classification Criteria Version 2. Collection method: clinical testing. Allele origin: germline. Affected: yes. Observed: 1 variant allele.
Comment: LRP1B: BS1, BS2